The following is an entry in ClinVar:

ClinVar aggregate classification (germline): Likely benign. Review status: criteria provided, single submitter (1 of 4 stars). 2 submissions from 2 submitters: Likely benign (1). 1 of the submissions does not count toward it. Last evaluated 2024-06-23.

Conditions:
Nephronophthisis. Also called: Juvenile Nephronophthisis. Identifiers: Orphanet 655, MedGen C0687120, MONDO:0019005, HP:0000090.
INVS-related disorder. Also called: INVS-related condition.

Allele frequency attached by ClinVar (database versions not stated): gnomAD exomes below 0.00001; ExAC 0.00001.
gnomAD v4.1: 1 of 1,614,096 alleles (0.000062%); highest among the groups gnomAD compares: South Asian, 0.0011%; no homozygotes.

Submissions (2):

Labcorp Genetics (formerly Invitae), Labcorp
Classification: Likely benign for Nephronophthisis. Last evaluated: 2024-06-23. Review status: criteria provided, single submitter. Criteria: Invitae Variant Classification Sherloc (09022015). Collection method: clinical testing. Allele origin: germline.

PreventionGenetics, part of Exact Sciences
Classification: Likely benign for INVS-related condition. Last evaluated: 2022-08-31. Review status: no assertion criteria provided. Collection method: clinical testing. Allele origin: germline. Not counted in ClinVar's aggregate classification.
Comment: This variant is classified as likely benign based on ACMG/AMP sequence variant interpretation guidelines (Richards et al. 2015 PMID: 25741868, with internal and published modifications).

NM_014425.5(INVS):c.663T>G (p.Gly221=)

Gene: INVS (inversin; plus strand). Cytogenetic location: 9q31.1.
Variant type: single nucleotide variant.
Coding change: c.663T>G on transcript NM_014425.5 (MANE Select); coding-DNA position 663, T replaced by G.
Protein change: p.Gly221=; no amino-acid change (glycine 221 retained).
Molecular consequence: synonymous variant. On other transcripts: 5 prime UTR variant (1), non-coding transcript variant (1).
Genome position (GRCh38, 1-based): chr9:100,240,107, T>G. VCF-style: chr9-100240107-T-G. GRCh37 (hg19) VCF-style: chr9-103002389-T-G.
Other names: c.375T>G, p.Gly125= (NM_001318381.2); c.-327T>G (NM_001318382.2).
Identifiers: ClinVar variation 3047807 (VCV003047807.4), dbSNP rs772337132, ClinGen allele CA5158216.
Genomic context (GRCh38, chr9:100,240,107, plus strand): 5'-TCCTTCAAATCAGGATGCTGCTCCAACAGAGTCTTTACTGAACTGGCAAGACTACGAGGG[T>G]CGAACTCCTCTTCACTTTGCAGTTGCTGATGGGAATGTGACCGTGGTTGATGTCTTGACC-3'
Protein context (NP_055240.2, residues 211-231): ESLLNWQDYE[Gly221=]RTPLHFAVAD